The following is an entry in ClinVar:

NM_152743.4(BRAT1):c.825C>T (p.Ser275=)

Gene: BRAT1 (BRCA1 associated ATM activator 1; minus strand). Cytogenetic location: 7p22.3.
Variant type: single nucleotide variant.
Coding change: c.825C>T on transcript NM_152743.4 (MANE Select); coding-DNA position 825, C replaced by T.
Protein change: p.Ser275=; no amino-acid change (serine 275 retained).
Molecular consequence: synonymous variant. On other transcripts: non-coding transcript variant (1).
Genome position (GRCh38, 1-based): chr7:2,543,302, G>A on the plus strand (C>T on the coding strand, the complement: BRAT1 is on the minus strand). VCF-style: chr7-2543302-G-A. GRCh37 (hg19) VCF-style: chr7-2582936-G-A.
Other names: c.825C>T, p.Ser275= (NM_001350626.2); c.300C>T, p.Ser100= (NM_001350627.2).
Identifiers: ClinVar variation 472980 (VCV000472980.16), dbSNP rs141320181, ClinGen allele CA4128042.

ClinVar aggregate classification (germline): Benign/Likely benign. Review status: criteria provided, multiple submitters, no conflicts (2 of 4 stars). 4 submissions from 4 submitters: Benign (1); Likely benign (3). Last evaluated 2025-12-19.

Conditions:
BRAT1-related disorder. Also called: BRAT1-related disorders; BRAT1-related condition.
Neonatal-onset encephalopathy with rigidity and seizures. Also called: Lethal neonatal spasticity-epileptic encephalopathy syndrome. Identifiers: Orphanet 435845, MedGen C3281029, MONDO:0013784, OMIM 614498.

Allele frequency attached by ClinVar (database versions not stated): ExAC 0.00039; gnomAD exomes 0.00047 and 0.00099; TOPMed 0.00060; gnomAD 0.00066 and 0.00067; ESP Exome Variant Server 0.00100.

Submissions (4):

Labcorp Genetics (formerly Invitae), Labcorp
Classification: Benign for Neonatal-onset encephalopathy with rigidity and seizures. Last evaluated: 2025-12-19. Review status: criteria provided, single submitter. Criteria: Invitae Variant Classification Sherloc (09022015). Collection method: clinical testing. Allele origin: germline.

PreventionGenetics, part of Exact Sciences
Classification: Likely benign for BRAT1-related condition. Last evaluated: 2025-09-04. Review status: criteria provided, single submitter. Criteria: ACMG Guidelines, 2015. Collection method: clinical testing. Allele origin: germline.
Comment: This variant is classified as likely benign based on ACMG/AMP sequence variant interpretation guidelines (Richards et al. 2015 PMID: 25741868, with internal and published modifications).

Blueprint Genetics
Classification: Likely benign. Last evaluated: 2024-11-26. Review status: criteria provided, single submitter. Criteria: ACMG Guidelines, 2015. Collection method: clinical testing. Allele origin: germline.

GeneDx
Classification: Likely benign. Last evaluated: 2020-10-14. Review status: criteria provided, single submitter. Criteria: GeneDx Variant Classification Process June 2021. Collection method: clinical testing. Allele origin: germline. Affected: yes.